The following is an entry in ClinVar:

NM_000238.4(KCNH2):c.220A>C (p.Thr74Pro)

Gene: KCNH2 (potassium voltage-gated channel subfamily H member 2; minus strand). Cytogenetic location: 7q36.1.
Variant type: single nucleotide variant.
Coding change: c.220A>C on transcript NM_000238.4 (MANE Select); coding-DNA position 220, A replaced by C.
Protein change: p.Thr74Pro; replaces threonine 74 with proline.
Molecular consequence: missense variant.
Genome position (GRCh38, 1-based): chr7:150,974,798, T>G on the plus strand (A>C on the coding strand, the complement: KCNH2 is on the minus strand). VCF-style: chr7-150974798-T-G. GRCh37 (hg19) VCF-style: chr7-150671886-T-G.
Other names: c.220A>C (LRG_288t1); c.43A>C, p.Thr15Pro (NM_001406755.1); c.220A>C, p.Thr74Pro (NM_172056.3); short protein forms T74P, T15P.
Identifiers: ClinVar variation 67375 (VCV000067375.3), dbSNP rs199473666, ClinGen allele CA006352.

ClinVar aggregate classification (germline): not provided (0 of 4 stars; one submission).

Conditions:
Familial long QT syndrome (RWS). Also called: Congenital long QT syndrome; Romano-Ward syndrome; VENTRICULAR FIBRILLATION WITH PROLONGED QT INTERVAL. Identifiers: Orphanet 768, MedGen C1141890, MONDO:0019171.

Submission:

Cardiovascular Biomedical Research Unit, Royal Brompton & Harefield NHS Foundation Trust
No classification provided. Condition: Familial long QT syndrome. Review status: no classification provided. Collection method: literature only. Allele origin: germline.
Comment: This variant has been reported as associated with Long QT syndrome in the following publications (PMID:19716085). This is a literature report, and does not necessarily reflect the clinical interpretation of the Imperial College / Royal Brompton Cardiovascular Genetics laboratory.

Literature cited by the submitters: PubMed 19716085; PubMed 22581653.